The following is an entry in ClinVar:

NM_000089.4(COL1A2):c.3435G>A (p.Gln1145=)

Gene: COL1A2 (collagen type I alpha 2 chain; plus strand). Cytogenetic location: 7q21.3.
Variant type: single nucleotide variant.
Coding change: c.3435G>A on transcript NM_000089.4 (MANE Select); coding-DNA position 3435, G replaced by A.
Protein change: p.Gln1145=; no amino-acid change (glutamine 1145 retained).
Molecular consequence: synonymous variant.
Genome position (GRCh38, 1-based): chr7:94,427,794, G>A. VCF-style: chr7-94427794-G-A. GRCh37 (hg19) VCF-style: chr7-94057106-G-A.
Identifiers: ClinVar variation 35950 (VCV000035950.4), dbSNP rs193922169, ClinGen allele CA260373.

ClinVar aggregate classification (germline): Likely benign (1 of 4 stars; one submission).

Conditions:
Osteogenesis imperfecta (OI). Identifiers: Orphanet 666, MedGen C0029434, MeSH D010013, MONDO:0019019.

Submission:

Women's Health and Genetics/Laboratory Corporation of America, LabCorp
Classification: Likely benign for Osteogenesis Imperfecta. Last evaluated: 2011-08-18. Review status: criteria provided, single submitter. Criteria: LabCorp Variant Classification Summary - May 2015. Collection method: curation, clinical testing. Allele origin: germline. Inheritance: autosomal unknown. Affected: yes.
ClinVar note: Converted during submission from likely benign to Likely benign.